The following is an entry in ClinVar:

NM_000264.5(PTCH1):c.87A>C (p.Gly29=)

Genes: PTCH1 (patched 1; minus strand), LOC130002133 (ATAC-STARR-seq lymphoblastoid silent region 20071; plus strand). Cytogenetic location: 9q22.32.
Variant type: single nucleotide variant.
Coding change: c.87A>C on transcript NM_000264.5 (MANE Select); coding-DNA position 87, A replaced by C.
Protein change: p.Gly29=; no amino-acid change (glycine 29 retained).
Molecular consequence: synonymous variant. On other transcripts: non-coding transcript variant (1), intron variant (3).
Genome position (GRCh38, 1-based): chr9:95,508,275, T>G on the plus strand (A>C on the coding strand, the complement: PTCH1 is on the minus strand). VCF-style: chr9-95508275-T-G. GRCh37 (hg19) VCF-style: chr9-98270557-T-G.
Other names: c.87A>C, p.Gly29= (NM_001354918.2); c.199-1676A>C (NM_001083603.3); c.4-1676A>C (NM_001083602.3, NM_001354919.2).
Identifiers: ClinVar variation 4085731 (VCV004085731.9).

ClinVar aggregate classification (germline): Likely benign. Review status: criteria provided, multiple submitters, no conflicts (2 of 4 stars). 2 submissions from 2 submitters: Likely benign (2). Last evaluated 2026-06-20.

Conditions:
Hereditary cancer-predisposing syndrome. Also called: Hereditary Cancer Syndrome; Neoplastic Syndromes, Hereditary; Tumor predisposition; Hereditary neoplastic syndrome. Identifiers: Orphanet 140162, MedGen C0027672, MeSH D009386, MONDO:0015356.

Submissions (2):

Ambry Genetics
Classification: Likely benign for Hereditary cancer-predisposing syndrome. Last evaluated: 2026-06-20. Review status: criteria provided, single submitter. Criteria: Ambry Variant Classification Scheme 2023. Collection method: clinical testing. Allele origin: germline.

CeGaT Center for Human Genetics Tuebingen
Classification: Likely benign. Last evaluated: 2025-08-01. Review status: criteria provided, single submitter. Criteria: CeGaT Center For Human Genetics Tuebingen Variant Classification Criteria Version 2. Collection method: clinical testing. Allele origin: germline. Affected: yes. Observed: 1 variant allele.
Comment: PTCH1: PM2:Supporting, BP4, BP7